The following is an entry in ClinVar:

NM_000213.5(ITGB4):c.1454G>A (p.Trp485Ter)

Gene: ITGB4 (integrin subunit beta 4; plus strand). Cytogenetic location: 17q25.1.
Variant type: single nucleotide variant.
Coding change: c.1454G>A on transcript NM_000213.5 (MANE Select); coding-DNA position 1454, G replaced by A.
Protein change: p.Trp485Ter; replaces tryptophan 485 with a stop codon.
Molecular consequence: nonsense.
Genome position (GRCh38, 1-based): chr17:75,732,239, G>A. VCF-style: chr17-75732239-G-A. GRCh37 (hg19) VCF-style: chr17-73728320-G-A.
Other names: c.1454G>A, p.Trp485Ter (NM_001005619.2, NM_001005731.3, NM_001321123.2); short protein forms W485*.
Identifiers: ClinVar variation 2698051 (VCV002698051.3), dbSNP rs972700789, ClinGen allele CA401048879.

ClinVar aggregate classification (germline): Pathogenic (1 of 4 stars; one submission).

Allele frequency attached by ClinVar (database versions not stated): gnomAD exomes below 0.00001.

Submission:

Labcorp Genetics (formerly Invitae), Labcorp
Classification: Pathogenic. Last evaluated: 2023-11-29. Review status: criteria provided, single submitter. Criteria: Invitae Variant Classification Sherloc (09022015). Collection method: clinical testing. Allele origin: germline.
Comment: This sequence change creates a premature translational stop signal (p.Trp485*) in the ITGB4 gene. It is expected to result in an absent or disrupted protein product. Loss-of-function variants in ITGB4 are known to be pathogenic (PMID: 11328943, 16473856). This variant is not present in population databases (gnomAD no frequency). This variant has not been reported in the literature in individuals affected with ITGB4-related conditions. Algorithms developed to predict the effect of sequence changes on RNA splicing suggest that this variant may disrupt the consensus splice site. For these reasons, this variant has been classified as Pathogenic.

Literature cited by the submitters: PubMed 11328943; PubMed 16473856.